The following is an entry in ClinVar:

NM_000057.4(BLM):c.1427A>G (p.Lys476Arg)

Gene: BLM (BLM RecQ like helicase; plus strand). Cytogenetic location: 15q26.1.
Variant type: single nucleotide variant.
Coding change: c.1427A>G on transcript NM_000057.4 (MANE Select); coding-DNA position 1427, A replaced by G.
Protein change: p.Lys476Arg; replaces lysine 476 with arginine.
Molecular consequence: missense variant.
Genome position (GRCh38, 1-based): chr15:90,760,800, A>G. VCF-style: chr15-90760800-A-G. GRCh37 (hg19) VCF-style: chr15-91304030-A-G.
Other names: c.1427A>G, p.Lys476Arg (NM_001287246.2, NM_001287247.2); c.302A>G, p.Lys101Arg (NM_001287248.2); short protein forms K101R, K476R.
Identifiers: ClinVar variation 1056542 (VCV001056542.7), dbSNP rs2151158198, ClinGen allele CA393843033.

ClinVar aggregate classification (germline): Uncertain significance. Review status: criteria provided, multiple submitters, no conflicts (2 of 4 stars). 2 submissions from 2 submitters: Uncertain significance (2). Last evaluated 2025-06-16.

Conditions:
Hereditary cancer-predisposing syndrome. Also called: Hereditary Cancer Syndrome; Tumor predisposition; Hereditary neoplastic syndrome; Neoplastic Syndromes, Hereditary. Identifiers: Orphanet 140162, MedGen C0027672, MeSH D009386, MONDO:0015356.
Bloom syndrome (BLM). Also called: Bloom-Torre-Machacek syndrome. Identifiers: Orphanet 125, MedGen C0005859, MONDO:0008876, OMIM 210900.

gnomAD v4.1: 4 of 1,614,096 alleles (0.00025%); highest among the groups gnomAD compares: Non-Finnish European, 0.00034%; no homozygotes.

Submissions (2):

Ambry Genetics
Classification: Uncertain significance for Hereditary cancer-predisposing syndrome. Last evaluated: 2025-06-16. Review status: criteria provided, single submitter. Criteria: Ambry Variant Classification Scheme 2023. Collection method: clinical testing. Allele origin: germline.
Comment: The p.K476R variant (also known as c.1427A>G), located in coding exon 6 of the BLM gene, results from an A to G substitution at nucleotide position 1427. The lysine at codon 476 is replaced by arginine, an amino acid with highly similar properties. This amino acid position is well conserved in available vertebrate species. In addition, this alteration is predicted to be tolerated by in silico analysis. Since supporting evidence is limited at this time, the clinical significance of this alteration remains unclear.

Labcorp Genetics (formerly Invitae), Labcorp
Classification: Uncertain significance for Bloom syndrome. Last evaluated: 2022-06-20. Review status: criteria provided, single submitter. Criteria: Invitae Variant Classification Sherloc (09022015). Collection method: clinical testing. Allele origin: germline.
Comment: This sequence change replaces lysine, which is basic and polar, with arginine, which is basic and polar, at codon 476 of the BLM protein (p.Lys476Arg). This variant is not present in population databases (gnomAD no frequency). This variant has not been reported in the literature in individuals affected with BLM-related conditions. ClinVar contains an entry for this variant (Variation ID: 1056542). Algorithms developed to predict the effect of missense changes on protein structure and function output the following: SIFT: "Tolerated"; PolyPhen-2: "Benign"; Align-GVGD: "Class C0". The arginine amino acid residue is found in multiple mammalian species, which suggests that this missense change does not adversely affect protein function. In summary, the available evidence is currently insufficient to determine the role of this variant in disease. Therefore, it has been classified as a Variant of Uncertain Significance.